The following is an entry in ClinVar:

ClinVar aggregate classification (germline): Pathogenic (1 of 4 stars; one submission).

Conditions:
PURA-related severe neonatal hypotonia-seizures-encephalopathy syndrome (NEDRIHF). Also called: PURA-Related Neurodevelopmental Disorders; NEURODEVELOPMENTAL DISORDER WITH NEONATAL RESPIRATORY INSUFFICIENCY, HYPOTONIA, AND FEEDING DIFFICULTIES. Identifiers: Orphanet 438213, Orphanet 438216, MedGen C4015357, MONDO:1060108, OMIM 616158, MONDO:0018580.

Submission:

Labcorp Genetics (formerly Invitae), Labcorp
Classification: Pathogenic for PURA-related severe neonatal hypotonia-seizures-encephalopathy syndrome. Last evaluated: 2020-10-20. Review status: criteria provided, single submitter. Criteria: Invitae Variant Classification Sherloc (09022015). Collection method: clinical testing. Allele origin: germline.
Comment: For these reasons, this variant has been classified as Pathogenic. This variant disrupts the C-terminus of the PURA protein. Other variant(s) that disrupt this region (p.Tyr240*) have been determined to be pathogenic (Invitae). This suggests that variants that disrupt this region of the protein are likely to be causative of disease. This variant has not been reported in the literature in individuals with PURA-related conditions. This variant is not present in population databases (ExAC no frequency). This sequence change creates a premature translational stop signal (p.Leu168Profs*33) in the PURA gene. While this is not anticipated to result in nonsense mediated decay, it is expected to disrupt the last 155 amino acid(s) of the PURA protein.

NM_005859.5(PURA):c.502dup (p.Leu168fs)

Gene: PURA (purine rich element binding protein A; plus strand). Cytogenetic location: 5q31.3.
Variant type: Duplication.
Coding change: c.502dup on transcript NM_005859.5 (MANE Select); coding-DNA position 502, one base duplicated (C; older notation c.502dupC).
Protein change: p.Leu168fs; shifts the reading frame from leucine 168.
Molecular consequence: frameshift variant.
Genome position (GRCh38, 1-based): chr5:140,114,683, C duplicated; the last of 2 consecutive C bases (chr5:140,114,682-140,114,683); duplicating either gives the same sequence. VCF-style (leftmost placement, unchanged base first): chr5-140114681-T-TC. GRCh37 (hg19) VCF-style: chr5-139494266-T-TC.
Other names: short protein forms L168fs.
Identifiers: ClinVar variation 1070477 (VCV001070477.9), dbSNP rs2126749156, ClinGen allele CA2499217691.